The following is an entry in ClinVar:

ClinVar aggregate classification (germline): Uncertain significance (1 of 4 stars; one submission).

gnomAD v4.1: 7 of 1,613,874 alleles (0.00043%); highest among the groups gnomAD compares: Admixed American, 0.005%; no homozygotes.

Submission:

Labcorp Genetics (formerly Invitae), Labcorp
Classification: Uncertain significance. Last evaluated: 2024-10-15. Review status: criteria provided, single submitter. Criteria: Invitae Variant Classification Sherloc (09022015). Collection method: clinical testing. Allele origin: germline.
Comment: This sequence change replaces methionine, which is neutral and non-polar, with valine, which is neutral and non-polar, at codon 532 of the DISP1 protein (p.Met532Val). This variant is present in population databases (no rsID available, gnomAD 0.006%). This variant has not been reported in the literature in individuals affected with DISP1-related conditions. ClinVar contains an entry for this variant (Variation ID: 2022179). An algorithm developed to predict the effect of missense changes on protein structure and function (PolyPhen-2) suggests that this variant is likely to be tolerated. In summary, the available evidence is currently insufficient to determine the role of this variant in disease. Therefore, it has been classified as a Variant of Uncertain Significance.

NM_001377229.1(DISP1):c.1594A>G (p.Met532Val)

Gene: DISP1 (dispatched RND transporter family member 1; plus strand). Cytogenetic location: 1q41.
Variant type: single nucleotide variant.
Coding change: c.1594A>G on transcript NM_001377229.1 (MANE Select); coding-DNA position 1594, A replaced by G.
Protein change: p.Met532Val; replaces methionine 532 with valine.
Molecular consequence: missense variant.
Genome position (GRCh38, 1-based): chr1:223,002,991, A>G. VCF-style: chr1-223002991-A-G. GRCh37 (hg19) VCF-style: chr1-223176333-A-G.
Other names: c.865A>G, p.Met289Val (NM_001350630.2); c.1594A>G, p.Met532Val (NM_001369594.1, NM_001377228.1, NM_032890.5); short protein forms M289V, M532V.
Identifiers: ClinVar variation 2022179 (VCV002022179.4), dbSNP rs1177850554, ClinGen allele CA344679568.